The following is an entry in ClinVar:

NM_000057.4(BLM):c.3058T>C (p.Phe1020Leu)

Gene: BLM (BLM RecQ like helicase; plus strand). Cytogenetic location: 15q26.1.
Variant type: single nucleotide variant.
Coding change: c.3058T>C on transcript NM_000057.4 (MANE Select); coding-DNA position 3058, T replaced by C.
Protein change: p.Phe1020Leu; replaces phenylalanine 1020 with leucine.
Molecular consequence: missense variant.
Genome position (GRCh38, 1-based): chr15:90,794,205, T>C. VCF-style: chr15-90794205-T-C. GRCh37 (hg19) VCF-style: chr15-91337435-T-C.
Other names: c.3058T>C, p.Phe1020Leu (NM_001287246.2, NM_001287247.2); c.1933T>C, p.Phe645Leu (NM_001287248.2); short protein forms F645L, F1020L.
Identifiers: ClinVar variation 3261026 (VCV003261026.1).

ClinVar aggregate classification (germline): Uncertain significance (1 of 4 stars; one submission).

Conditions:
Hereditary cancer-predisposing syndrome. Also called: Hereditary Cancer Syndrome; Tumor predisposition; Hereditary neoplastic syndrome; Neoplastic Syndromes, Hereditary. Identifiers: Orphanet 140162, MedGen C0027672, MeSH D009386, MONDO:0015356.

Submission:

Ambry Genetics
Classification: Uncertain significance for Hereditary cancer-predisposing syndrome. Last evaluated: 2024-04-10. Review status: criteria provided, single submitter. Criteria: Ambry Variant Classification Scheme 2023. Collection method: clinical testing. Allele origin: germline.
Comment: The p.F1020L variant (also known as c.3058T>C), located in coding exon 15 of the BLM gene, results from a T to C substitution at nucleotide position 3058. The phenylalanine at codon 1020 is replaced by leucine, an amino acid with highly similar properties. This amino acid position is conserved. In addition, this alteration is predicted to be tolerated by in silico analysis. Based on the available evidence, the clinical significance of this variant remains unclear.